The following is an entry in ClinVar:

ClinVar aggregate classification (germline): Uncertain significance. Review status: criteria provided, multiple submitters, no conflicts (2 of 4 stars). 2 submissions from 2 submitters: Uncertain significance (2). Last evaluated 2024-12-09.

Conditions:
Inborn genetic diseases. Identifiers: MedGen C0950123, MeSH D030342.

Allele frequency attached by ClinVar (database versions not stated): ExAC 0.00004; gnomAD exomes 0.00003; TOPMed 0.00004.

Submissions (2):

Labcorp Genetics (formerly Invitae), Labcorp
Classification: Uncertain significance. Last evaluated: 2024-12-09. Review status: criteria provided, single submitter. Criteria: Invitae Variant Classification Sherloc (09022015). Collection method: clinical testing. Allele origin: germline.
Comment: This sequence change replaces arginine, which is basic and polar, with lysine, which is basic and polar, at codon 451 of the SLC30A10 protein (p.Arg451Lys). This variant is present in population databases (rs755664863, gnomAD 0.04%). This variant has not been reported in the literature in individuals affected with SLC30A10-related conditions. ClinVar contains an entry for this variant (Variation ID: 2067081). An algorithm developed to predict the effect of missense changes on protein structure and function (PolyPhen-2) suggests that this variant is likely to be tolerated. In summary, the available evidence is currently insufficient to determine the role of this variant in disease. Therefore, it has been classified as a Variant of Uncertain Significance.

Ambry Genetics
Classification: Uncertain significance for Inborn genetic diseases. Last evaluated: 2022-09-14. Review status: criteria provided, single submitter. Criteria: Ambry Variant Classification Scheme 2023. Collection method: clinical testing. Allele origin: germline.

NM_018713.3(SLC30A10):c.1352G>A (p.Arg451Lys)

Gene: SLC30A10 (solute carrier family 30 member 10; minus strand). Cytogenetic location: 1q41.
Variant type: single nucleotide variant.
Coding change: c.1352G>A on transcript NM_018713.3 (MANE Select); coding-DNA position 1352, G replaced by A.
Protein change: p.Arg451Lys; replaces arginine 451 with lysine.
Molecular consequence: missense variant. On other transcripts: non-coding transcript variant (2).
Genome position (GRCh38, 1-based): chr1:219,915,555, C>T on the plus strand (G>A on the coding strand, the complement: SLC30A10 is on the minus strand). VCF-style: chr1-219915555-C-T. GRCh37 (hg19) VCF-style: chr1-220088897-C-T.
Other names: c.1163G>A, p.Arg388Lys (NM_001376929.1); c.677G>A, p.Arg226Lys (NM_001416004.1, NM_001416005.1); short protein forms R451K, R226K, R388K.
Identifiers: ClinVar variation 2067081 (VCV002067081.4), dbSNP rs755664863, ClinGen allele CA1399124.